The following is an entry in ClinVar:

ClinVar aggregate classification (germline): Likely benign (1 of 4 stars; one submission).

Allele frequency attached by ClinVar (database versions not stated): 1000 Genomes Project 30x 0.00094; 1000 Genomes Project 0.00100; TOPMed 0.00110; ESP Exome Variant Server 0.00146; ExAC 0.00191; gnomAD 0.00195; gnomAD exomes 0.00226.
gnomAD v4.1: 3,549 of 1,614,250 alleles (0.22%); highest among the groups gnomAD compares: Non-Finnish European, 0.23%; 7 homozygotes.

Submission:

CeGaT Center for Human Genetics Tuebingen
Classification: Likely benign. Last evaluated: 2022-03-01. Review status: criteria provided, single submitter. Criteria: CeGaT Center For Human Genetics Tuebingen Variant Classification Criteria Version 2. Collection method: clinical testing. Allele origin: germline. Affected: yes. Observed: 1 variant allele.
Comment: TBC1D9B: BP4, BP7

NM_015043.4(TBC1D9B):c.949C>T (p.Leu317=)

Gene: TBC1D9B (TBC1 domain family member 9B; minus strand). Cytogenetic location: 5q35.3.
Variant type: single nucleotide variant.
Coding change: c.949C>T on transcript NM_015043.4 (MANE Select); coding-DNA position 949, C replaced by T.
Protein change: p.Leu317=; no amino-acid change (leucine 317 retained).
Molecular consequence: synonymous variant.
Genome position (GRCh38, 1-based): chr5:179,891,474, G>A on the plus strand (C>T on the coding strand, the complement: TBC1D9B is on the minus strand). VCF-style: chr5-179891474-G-A. GRCh37 (hg19) VCF-style: chr5-179318474-G-A.
Other names: c.949C>T, p.Leu317= (NM_198868.3).
Identifiers: ClinVar variation 2656145 (VCV002656145.24), dbSNP rs144413288, ClinGen allele CA3602496.
Genomic context (GRCh38, chr5:179,891,474, plus strand): 5'-CCTCCTTGCTGGCGAAGCAGATGTAGTTGTTGGAGATGAACATCTGGCCAGGGATGTGCA[G>A]CTTGTTGAACGGCGTCCACAGGGTGCAGCTTGTGTGGCCGTCTAGCCGCTCATCCCTGGG-3'
Protein context (NP_055858.2, residues 307-327): SCTLWTPFNK[Leu317=]HIPGQMFISN